The following is an entry in ClinVar:

NM_000141.5(FGFR2):c.1328C>T (p.Pro443Leu)

Gene: FGFR2 (fibroblast growth factor receptor 2; minus strand). Cytogenetic location: 10q26.13.
Variant type: single nucleotide variant.
Coding change: c.1328C>T on transcript NM_000141.5 (MANE Select); coding-DNA position 1328, C replaced by T.
Protein change: p.Pro443Leu; replaces proline 443 with leucine.
Molecular consequence: missense variant. On other transcripts: non-coding transcript variant (1).
Genome position (GRCh38, 1-based): chr10:121,503,901, G>A on the plus strand (C>T on the coding strand, the complement: FGFR2 is on the minus strand). VCF-style: chr10-121503901-G-A. GRCh37 (hg19) VCF-style: chr10-123263415-G-A.
Other names: c.1331C>T, p.Pro444Leu (NM_001144913.1, NM_022970.4); c.992C>T, p.Pro331Leu (NM_001144914.1); c.1061C>T, p.Pro354Leu (NM_001144915.2, NM_023029.3); c.983C>T, p.Pro328Leu (NM_001144916.2); c.980C>T, p.Pro327Leu (NM_001144917.2); c.977C>T, p.Pro326Leu (NM_001144918.2); c.1064C>T, p.Pro355Leu (NM_001144919.2); c.644C>T, p.Pro215Leu (NM_001320654.2); and 1 more; short protein forms P328L, P331L, P441L, P444L, P355L, P327L, P354L, P215L.
Identifiers: ClinVar variation 1482755 (VCV001482755.9), dbSNP rs757125418, ClinGen allele CA5720775.

ClinVar aggregate classification (germline): Uncertain significance. Review status: criteria provided, multiple submitters, no conflicts (2 of 4 stars). 2 submissions from 2 submitters: Uncertain significance (2). Last evaluated 2022-03-30.

Conditions:
Crouzon syndrome. Also called: CRANIOFACIAL DYSOSTOSIS, TYPE I; Craniofacial dysostosis; Craniofacial dysostosis type 1; Crouzon craniofacial dysostosis; Crouzon disease. Identifiers: Orphanet 207, MedGen C0010273, MeSH D003394, MONDO:0007405, OMIM 123500, HP:0004439.
Gastric cancer. Also called: Malignant tumor of stomach; Stomach cancer. Identifiers: MedGen C0024623, MeSH D013274, MONDO:0001056, OMIM 613659, HP:0012126.
Acrocephalosyndactyly type I (ACS1). Also called: Apert syndrome; Acrocephalo-syndactyly type 1; ACS 1; Syndactylic oxycephaly. Identifiers: Orphanet 87, MedGen C0001193, MONDO:0007041, OMIM 101200.
Pfeiffer syndrome (ACS5). Also called: ACS V. Identifiers: Orphanet 710, MedGen C0220658, MONDO:0007043, OMIM 101600.
Jackson-Weiss syndrome (JWS). Also called: CRANIOSYNOSTOSIS, MIDFACIAL HYPOPLASIA, AND FOOT ABNORMALITIES. Identifiers: Orphanet 1540, MedGen C0795998, MONDO:0007400, OMIM 123150. Disease mechanism: loss of function.
Levy-Hollister syndrome (LADD). Also called: LADD syndrome. Identifiers: Orphanet 2363, MedGen C0265269, MONDO:0007872.
Beare-Stevenson cutis gyrata syndrome (BSTVS). Identifiers: Orphanet 1555, MedGen C1852406, MONDO:0007412, OMIM 123790.
Saethre-Chotzen syndrome (SCS). Also called: CHOTZEN SYNDROME; ACROCEPHALY, SKULL ASYMMETRY, AND MILD SYNDACTYLY; ACS III. Identifiers: Orphanet 794, MedGen C0175699, MONDO:0007042, OMIM 101400.
Familial scaphocephaly syndrome, McGillivray type. Also called: SCAPHOCEPHALY, MAXILLARY RETRUSION, AND IMPAIRED INTELLECTUAL DEVELOPMENT. Identifiers: Orphanet 168624, MedGen C1865070, MONDO:0012307, OMIM 609579.
Bent bone dysplasia syndrome 1 (BBDS1). Also called: FGFR2-related bent bone dysplasia. Identifiers: Orphanet 313855, MedGen C3281247, MONDO:0013815, OMIM 614592.
Antley-Bixler syndrome without genital anomalies or disordered steroidogenesis (ABS2). Also called: MULTISYNOSTOTIC OSTEODYSGENESIS WITH LONG BONE FRACTURES; Trapezoidocephaly synostosis syndrome; Osteodysgenesis, multisynostotic with fractures; Antley-Bixler Syndrome, Autosomal Dominant. Identifiers: Orphanet 596008, Orphanet 83, MedGen C2936791, MONDO:0020667, OMIM 207410.
FGFR2-related craniosynostosis. Identifiers: MedGen CN231480.

Allele frequency attached by ClinVar (database versions not stated): gnomAD exomes 0.00002; ExAC 0.00003.
gnomAD v4.1: 29 of 1,613,938 alleles (0.0018%); highest among the groups gnomAD compares: Middle Eastern, 0.016%; no homozygotes.

Submissions (2):

Fulgent Genetics
Classification: Uncertain significance for Acrocephalosyndactyly type I; Saethre-Chotzen syndrome; Pfeiffer syndrome; Jackson-Weiss syndrome; Crouzon syndrome; Beare-Stevenson cutis gyrata syndrome; LADD syndrome 1; Antley-Bixler syndrome without genital anomalies or disordered steroidogenesis; Familial scaphocephaly syndrome, McGillivray type; Gastric cancer; Bent bone dysplasia syndrome 1. Last evaluated: 2022-03-30. Review status: criteria provided, single submitter. Criteria: ACMG Guidelines, 2015. Collection method: clinical testing. Allele origin: unknown.

Labcorp Genetics (formerly Invitae), Labcorp
Classification: Uncertain significance for FGFR2-related craniosynostosis. Last evaluated: 2020-11-13. Review status: criteria provided, single submitter. Criteria: Invitae Variant Classification Sherloc (09022015). Collection method: clinical testing. Allele origin: germline.
Comment: In summary, the available evidence is currently insufficient to determine the role of this variant in disease. Therefore, it has been classified as a Variant of Uncertain Significance. Algorithms developed to predict the effect of missense changes on protein structure and function (SIFT, PolyPhen-2, Align-GVGD) all suggest that this variant is likely to be disruptive, but these predictions have not been confirmed by published functional studies and their clinical significance is uncertain. This variant has not been reported in the literature in individuals with FGFR2-related conditions. This variant is present in population databases (rs757125418, ExAC 0.01%). This sequence change replaces proline with leucine at codon 443 of the FGFR2 protein (p.Pro443Leu). The proline residue is highly conserved and there is a moderate physicochemical difference between proline and leucine.